The following is an entry in ClinVar:

NM_015909.4(NBAS):c.1564C>A (p.Arg522Ser)

Gene: NBAS (NBAS subunit of NRZ tethering complex; minus strand). Cytogenetic location: 2p24.3.
Variant type: single nucleotide variant.
Coding change: c.1564C>A on transcript NM_015909.4 (MANE Select); coding-DNA position 1564, C replaced by A.
Protein change: p.Arg522Ser; replaces arginine 522 with serine.
Molecular consequence: missense variant. On other transcripts: non-coding transcript variant (1).
Genome position (GRCh38, 1-based): chr2:15,474,102, G>T on the plus strand (C>A on the coding strand, the complement: NBAS is on the minus strand). VCF-style: chr2-15474102-G-T. GRCh37 (hg19) VCF-style: chr2-15614226-G-T.
Other names: c.1564C>A (NM_015909.3); short protein forms R522S.
Identifiers: ClinVar variation 1478517 (VCV001478517.7), dbSNP rs187987936, ClinGen allele CA345887815.
Genomic context (GRCh38, chr2:15,474,102, plus strand): 5'-GGGTAGTAATATGCTACTCTCTCACCTTCCTCTGATAAAGTTCCTCTGGTGTCGTGGAGC[G>T]CAAACTCACAAGGCGGTAGTTTTTAGTAATGGTTCGTGGGCGTTTCCGTGGTGGTGCAAA-3'
Protein context (NP_056993.2, residues 512-532): ITKNYRLVSL[Arg522Ser]STTPEELYQR

ClinVar aggregate classification (germline): Uncertain significance. Review status: criteria provided, multiple submitters, no conflicts (2 of 4 stars). 2 submissions from 2 submitters: Uncertain significance (2). Last evaluated 2026-04-23.

Conditions:
NBAS-related disorder. Also called: NBAS-related condition.

Submissions (2):

PreventionGenetics, part of Exact Sciences
Classification: Uncertain significance for NBAS-related condition. Last evaluated: 2026-04-23. Review status: criteria provided, single submitter. Criteria: ACMG Guidelines, 2015. Collection method: clinical testing. Allele origin: germline.
Comment: The NBAS c.1564C>A variant is predicted to result in the amino acid substitution p.Arg522Ser. To our knowledge, this variant has not been reported in the literature or in a large population database (gnomAD), indicating this variant is rare. At this time, the clinical significance of this variant is uncertain due to the absence of conclusive functional and genetic evidence.

Labcorp Genetics (formerly Invitae), Labcorp
Classification: Uncertain significance. Last evaluated: 2022-11-22. Review status: criteria provided, single submitter. Criteria: Invitae Variant Classification Sherloc (09022015). Collection method: clinical testing. Allele origin: germline.
Comment: In summary, the available evidence is currently insufficient to determine the role of this variant in disease. Therefore, it has been classified as a Variant of Uncertain Significance. Advanced modeling of protein sequence and biophysical properties (such as structural, functional, and spatial information, amino acid conservation, physicochemical variation, residue mobility, and thermodynamic stability) performed at Invitae indicates that this missense variant is not expected to disrupt NBAS protein function. ClinVar contains an entry for this variant (Variation ID: 1478517). This variant has not been reported in the literature in individuals affected with NBAS-related conditions. This variant is not present in population databases (gnomAD no frequency). This sequence change replaces arginine, which is basic and polar, with serine, which is neutral and polar, at codon 522 of the NBAS protein (p.Arg522Ser).